The following is an entry in ClinVar:

ClinVar aggregate classification (germline): Uncertain significance. Review status: criteria provided, multiple submitters, no conflicts (2 of 4 stars). 11 submissions from 10 submitters: Uncertain significance (9). 2 of the submissions do not count toward it. Last evaluated 2026-04-01.

Conditions:
Hereditary cancer-predisposing syndrome. Also called: Neoplastic Syndromes, Hereditary; Hereditary neoplastic syndrome; Tumor predisposition; Hereditary Cancer Syndrome. Identifiers: Orphanet 140162, MedGen C0027672, MeSH D009386, MONDO:0015356.
Ovarian cancer. Also called: OVARIAN CANCER, SOMATIC. Identifiers: Orphanet 213500, MedGen C1140680, MONDO:0008170, OMIM 167000.
Familial cancer of breast. Also called: BREAST CANCER, FAMILIAL; Hereditary breast cancer; hereditary breast carcinoma. Identifiers: Orphanet 227535, MedGen C0346153, MONDO:0016419, OMIM 114480. Disease mechanism: loss of function.
Fanconi anemia complementation group J. Also called: BRIP1-Related Fanconi Anemia. Identifiers: Orphanet 84, MedGen C1836860, MONDO:0012187, OMIM 609054.

Allele frequency attached by ClinVar (database versions not stated): TOPMed 0.00002; gnomAD exomes 0.00001; gnomAD 0.00003.
gnomAD v4.1: 14 of 1,614,080 alleles (0.00087%); highest among the groups gnomAD compares: South Asian, 0.0033%; no homozygotes.

Submissions (11):

Ambry Genetics
Classification: Uncertain significance for Hereditary cancer-predisposing syndrome. Last evaluated: 2026-04-01. Review status: criteria provided, single submitter. Criteria: Ambry Variant Classification Scheme 2023. Collection method: clinical testing. Allele origin: germline.

Center for Genomic Medicine, Rigshospitalet, Copenhagen University Hospital
Classification: Uncertain significance. Last evaluated: 2025-12-29. Review status: criteria provided, single submitter. Criteria: ACMG Guidelines, 2015. Collection method: clinical testing. Allele origin: germline.

Women's Health and Genetics/Laboratory Corporation of America, LabCorp
Classification: Uncertain significance. Last evaluated: 2025-12-16. Review status: criteria provided, single submitter. Criteria: LabCorp Variant Classification Summary - May 2015. Collection method: clinical testing. Allele origin: germline.
Comment: Variant summary: BRIP1 c.1972C>T (p.Arg658Trp) results in a non-conservative amino acid change in the encoded protein sequence. Algorithms developed to predict the effect of missense changes on protein structure and function are either unavailable or do not agree on the potential impact of this missense change. The variant was absent in 251344 control chromosomes. The available data on variant occurrences in the general population are insufficient to allow any conclusion about variant significance. To our knowledge, no occurrence of c.1972C>T in individuals affected with BRIP1-related conditions and no experimental evidence demonstrating its impact on protein function have been reported. The following publications have been ascertained in the context of this evaluation (PMID: 26315354, 29368626, 36243179, 26580448). ClinVar contains an entry for this variant (Variation ID: 186720). Based on the evidence outlined above, the variant was classified as uncertain significance.

Dasa
Classification: Uncertain significance. Last evaluated: 2025-10-13. Review status: criteria provided, single submitter. Criteria: DASA Assertion Criteria. Collection method: clinical testing. Allele origin: germline.
Comment: NM_032043.3(BRIP1):c.1972C>T (p.Arg658Trp) is a missense variant that results in the substitution of arginine with tryptophan. This variant is rare in population databases. The currently available literature and clinical evidence are not sufficient to establish a definitive association between this variant and the reported condition. Therefore, this variant is classified as a variant of uncertain significance.

Labcorp Genetics (formerly Invitae), Labcorp
Classification: Uncertain significance for Familial cancer of breast; Fanconi anemia complementation group J. Last evaluated: 2025-01-08. Review status: criteria provided, single submitter. Criteria: Invitae Variant Classification Sherloc (09022015). Collection method: clinical testing. Allele origin: germline.
Comment: This sequence change replaces arginine, which is basic and polar, with tryptophan, which is neutral and slightly polar, at codon 658 of the BRIP1 protein (p.Arg658Trp). This variant is present in population databases (rs786203170, gnomAD 0.007%). This missense change has been observed in individual(s) with acute lymphoblastic leukemia (PMID: 26580448). ClinVar contains an entry for this variant (Variation ID: 186720). Invitae Evidence Modeling of protein sequence and biophysical properties (such as structural, functional, and spatial information, amino acid conservation, physicochemical variation, residue mobility, and thermodynamic stability) has been performed for this missense variant. However, the output from this modeling did not meet the statistical confidence thresholds required to predict the impact of this variant on BRIP1 protein function. In summary, the available evidence is currently insufficient to determine the role of this variant in disease. Therefore, it has been classified as a Variant of Uncertain Significance.

Color Diagnostics, LLC DBA Color Health
Classification: Uncertain significance for Hereditary cancer-predisposing syndrome. Last evaluated: 2024-12-17. Review status: criteria provided, single submitter. Criteria: ACMG Guidelines, 2015. Collection method: clinical testing. Allele origin: germline.
Comment: This missense variant replaces arginine with tryptophan at codon 658 of the BRIP1 protein. Computational prediction suggests that this variant may not impact protein structure and function. To our knowledge, functional studies have not been reported for this variant. This variant has been reported in an individual affected with ovarian cancer (PMID: 26329992), but also in unaffected individuals (PMID: 26315354, 26329992). This variant has been identified in 1/31396 chromosomes in the general population by the Genome Aggregation Database (gnomAD). The available evidence is insufficient to determine the role of this variant in disease conclusively. Therefore, this variant is classified as a Variant of Uncertain Significance.

GeneDx
Classification: Uncertain significance. Last evaluated: 2023-11-13. Review status: criteria provided, single submitter. Criteria: GeneDx Variant Classification Process June 2021. Collection method: clinical testing. Allele origin: germline. Affected: yes.
Comment: Not observed at significant frequency in large population cohorts (gnomAD); In silico analysis supports that this missense variant has a deleterious effect on protein structure/function; Observed in an individual with acute lymphocytic leukemia (PMID: 26580448); Not observed in any cases, but was observed in unaffected controls in a serous ovarian cancer study (PMID: 26315354); This variant is associated with the following publications: (PMID: 26580448, 26315354)

Myriad Genetics, Inc.
Classification: Uncertain significance for Familial cancer of breast. Last evaluated: 2023-02-28. Review status: criteria provided, single submitter. Criteria: Myriad Autosomal Dominant, Autosomal Recessive and X-Linked Classification Criteria (2023). Collection method: clinical testing. Allele origin: unknown.
Comment: This variant is classified as a variant of uncertain significance as there is insufficient evidence to determine its impact on protein function and/or cancer risk.

Genomic Research Center, Shahid Beheshti University of Medical Sciences
Classification: Uncertain significance for Familial cancer of breast. Last evaluated: 2020-05-03. Review status: criteria provided, single submitter. Criteria: ACMG Guidelines, 2015. Collection method: clinical testing. Allele origin: unknown. Affected: yes.

Counsyl
Classification: Uncertain significance for Fanconi anemia complementation group J. Last evaluated: 2016-11-03. Review status: no assertion criteria provided. Collection method: clinical testing. Allele origin: unknown. Not counted in ClinVar's aggregate classification.

Counsyl
Classification: Uncertain significance for Ovarian cancer. Last evaluated: 2016-11-03. Review status: no assertion criteria provided. Collection method: clinical testing. Allele origin: unknown. Not counted in ClinVar's aggregate classification.

Literature cited by the submitters: PubMed 26315354 (cited by 3 submitters); PubMed 26580448 (cited by 3 submitters); PubMed 29368626 (cited by Women's Health and Genetics/Laboratory Corporation of America, LabCorp); PubMed 36243179 (cited by Women's Health and Genetics/Laboratory Corporation of America, LabCorp); PubMed 26329992 (cited by Color Diagnostics, LLC DBA Color Health).

NM_032043.3(BRIP1):c.1972C>T (p.Arg658Trp)

Gene: BRIP1 (BRCA1 interacting DNA helicase 1; minus strand). Cytogenetic location: 17q23.2.
Variant type: single nucleotide variant.
Coding change: c.1972C>T on transcript NM_032043.3 (MANE Select); coding-DNA position 1972, C replaced by T.
Protein change: p.Arg658Trp; replaces arginine 658 with tryptophan.
Molecular consequence: missense variant.
Genome position (GRCh38, 1-based): chr17:61,776,526, G>A on the plus strand (C>T on the coding strand, the complement: BRIP1 is on the minus strand). VCF-style: chr17-61776526-G-A. GRCh37 (hg19) VCF-style: chr17-59853887-G-A.
Other names: short protein forms R658W.
Identifiers: ClinVar variation 186720 (VCV000186720.35), dbSNP rs786203170, ClinGen allele CA195651.